The following is an entry in ClinVar:

ClinVar aggregate classification (germline): Uncertain significance (1 of 4 stars; one submission).

Conditions:
T-cell immunodeficiency, congenital alopecia, and nail dystrophy. Also called: Congenital alopecia and nail dystrophy associated with severe functional T-cell immunodeficiency; Pignata Guarino syndrome. Identifiers: Orphanet 169095, MedGen C1866426, MONDO:0011132, OMIM 601705.

Submission:

Labcorp Genetics (formerly Invitae), Labcorp
Classification: Uncertain significance for T-cell immunodeficiency, congenital alopecia, and nail dystrophy. Last evaluated: 2022-11-08. Review status: criteria provided, single submitter. Criteria: Invitae Variant Classification Sherloc (09022015). Collection method: clinical testing. Allele origin: germline.
Comment: Advanced modeling of protein sequence and biophysical properties (such as structural, functional, and spatial information, amino acid conservation, physicochemical variation, residue mobility, and thermodynamic stability) performed at Invitae indicates that this missense variant is not expected to disrupt FOXN1 protein function. In summary, the available evidence is currently insufficient to determine the role of this variant in disease. Therefore, it has been classified as a Variant of Uncertain Significance. ClinVar contains an entry for this variant (Variation ID: 1447723). This variant has not been reported in the literature in individuals affected with FOXN1-related conditions. This variant is not present in population databases (gnomAD no frequency). This sequence change replaces isoleucine, which is neutral and non-polar, with leucine, which is neutral and non-polar, at codon 532 of the FOXN1 protein (p.Ile532Leu).

NM_001369369.1(FOXN1):c.1594A>C (p.Ile532Leu)

Gene: FOXN1 (forkhead box N1; plus strand). Cytogenetic location: 17q11.2.
Variant type: single nucleotide variant.
Coding change: c.1594A>C on transcript NM_001369369.1 (MANE Select); coding-DNA position 1594, A replaced by C.
Protein change: p.Ile532Leu; replaces isoleucine 532 with leucine.
Molecular consequence: missense variant.
Genome position (GRCh38, 1-based): chr17:28,535,165, A>C. VCF-style: chr17-28535165-A-C. GRCh37 (hg19) VCF-style: chr17-26862183-A-C.
Other names: c.1594A>C, p.Ile532Leu (NM_003593.3); short protein forms I532L.
Identifiers: ClinVar variation 1447723 (VCV001447723.8), dbSNP rs760056095, ClinGen allele CA398326794.